The following is an entry in ClinVar:

NM_015378.4(VPS13D):c.686G>A (p.Ser229Asn)

Gene: VPS13D (vacuolar protein sorting 13 homolog D; plus strand). Cytogenetic location: 1p36.22.
Variant type: single nucleotide variant.
Coding change: c.686G>A on transcript NM_015378.4 (MANE Select); coding-DNA position 686, G replaced by A.
Protein change: p.Ser229Asn; replaces serine 229 with asparagine.
Molecular consequence: missense variant.
Genome position (GRCh38, 1-based): chr1:12,256,349, G>A. VCF-style: chr1-12256349-G-A. GRCh37 (hg19) VCF-style: chr1-12316406-G-A.
Other names: c.686G>A, p.Ser229Asn (NM_018156.4); c.686G>A (NM_015378.2); short protein forms S229N.
Identifiers: ClinVar variation 1895810 (VCV001895810.6), dbSNP rs1010150327, ClinGen allele CA18025540.

ClinVar aggregate classification (germline): Uncertain significance. Review status: criteria provided, multiple submitters, no conflicts (2 of 4 stars). 2 submissions from 2 submitters: Uncertain significance (2). Last evaluated 2024-01-16.

Conditions:
Inborn genetic diseases. Identifiers: MedGen C0950123, MeSH D030342.

Allele frequency attached by ClinVar (database versions not stated): TOPMed 0.00001.

Submissions (2):

Ambry Genetics
Classification: Uncertain significance for Inborn genetic diseases. Last evaluated: 2024-01-16. Review status: criteria provided, single submitter. Criteria: Ambry Variant Classification Scheme 2023. Collection method: clinical testing. Allele origin: germline.

Labcorp Genetics (formerly Invitae), Labcorp
Classification: Uncertain significance. Last evaluated: 2022-03-15. Review status: criteria provided, single submitter. Criteria: Invitae Variant Classification Sherloc (09022015). Collection method: clinical testing. Allele origin: germline.
Comment: In summary, the available evidence is currently insufficient to determine the role of this variant in disease. Therefore, it has been classified as a Variant of Uncertain Significance. Algorithms developed to predict the effect of missense changes on protein structure and function are either unavailable or do not agree on the potential impact of this missense change (SIFT: "Tolerated"; PolyPhen-2: "Probably Damaging"; Align-GVGD: "Class C0"). This variant has not been reported in the literature in individuals affected with VPS13D-related conditions. This variant is not present in population databases (gnomAD no frequency). This sequence change replaces serine, which is neutral and polar, with asparagine, which is neutral and polar, at codon 229 of the VPS13D protein (p.Ser229Asn).